The following is an entry in ClinVar:

ClinVar aggregate classification (germline): Uncertain significance. Review status: criteria provided, multiple submitters, no conflicts (2 of 4 stars). 3 submissions from 3 submitters: Uncertain significance (3). Last evaluated 2025-05-22.

Conditions:
Metaphyseal chondrodysplasia, Schmid type (MCDS). Also called: SPONDYLOMETAPHYSEAL DYSPLASIA, JAPANESE TYPE. Identifiers: Orphanet 174, MedGen C0265289, MONDO:0007983, OMIM 156500.

Allele frequency attached by ClinVar (database versions not stated): TOPMed below 0.00001; gnomAD exomes 0.00002.
gnomAD v4.1: 40 of 1,553,230 alleles (0.0026%); highest among the groups gnomAD compares: Non-Finnish European, 0.0034%; no homozygotes.

Submissions (3):

Labcorp Genetics (formerly Invitae), Labcorp
Classification: Uncertain significance. Last evaluated: 2025-05-22. Review status: criteria provided, single submitter. Criteria: Invitae Variant Classification Sherloc (09022015). Collection method: clinical testing. Allele origin: germline.
Comment: This sequence change replaces proline, which is neutral and non-polar, with serine, which is neutral and polar, at codon 474 of the COL10A1 protein (p.Pro474Ser). This variant is present in population databases (no rsID available, gnomAD 0.002%). This variant has not been reported in the literature in individuals affected with COL10A1-related conditions. ClinVar contains an entry for this variant (Variation ID: 355093). Invitae Evidence Modeling of protein sequence and biophysical properties (such as structural, functional, and spatial information, amino acid conservation, physicochemical variation, residue mobility, and thermodynamic stability) has been performed for this missense variant. However, the output from this modeling did not meet the statistical confidence thresholds required to predict the impact of this variant on COL10A1 protein function. In summary, the available evidence is currently insufficient to determine the role of this variant in disease. Therefore, it has been classified as a Variant of Uncertain Significance.

Department of Pathology and Laboratory Medicine, Sinai Health System
Classification: Uncertain significance for Metaphyseal chondrodysplasia, Schmid type. Last evaluated: 2022-11-19. Review status: criteria provided, single submitter. Criteria: ACMG Guidelines, 2015. Collection method: research. Allele origin: germline.

Illumina Laboratory Services, Illumina
Classification: Uncertain significance for Metaphyseal chondrodysplasia, Schmid type. Last evaluated: 2018-01-13. Review status: criteria provided, single submitter. Criteria: ICSL Variant Classification Criteria 13 December 2019. Collection method: clinical testing. Allele origin: germline.

NM_000493.4(COL10A1):c.1420C>T (p.Pro474Ser)

Genes: COL10A1 (collagen type X alpha 1 chain; minus strand), NT5DC1 (5'-nucleotidase domain containing 1; plus strand). Cytogenetic location: 6q22.1.
Variant type: single nucleotide variant.
Coding change: c.1420C>T on transcript NM_000493.4 (MANE Select); coding-DNA position 1420, C replaced by T.
Protein change: p.Pro474Ser; replaces proline 474 with serine.
Molecular consequence: missense variant. On other transcripts: intron variant (1).
Genome position (GRCh38, 1-based): chr6:116,120,696, G>A on the plus strand (C>T on the coding strand, the complement: COL10A1 is on the minus strand). VCF-style: chr6-116120696-G-A. GRCh37 (hg19) VCF-style: chr6-116441859-G-A.
Other names: c.1420C>T, p.Pro474Ser (NM_001424106.1, NM_001424107.1); c.529+2751G>A (NM_152729.3); short protein forms P474S.
Identifiers: ClinVar variation 355093 (VCV000355093.7), dbSNP rs886060991, ClinGen allele CA10625722.
Genomic context (GRCh38, chr6:116,120,696, plus strand): 5'-GCCCTGGTGGCCCGGTGGGTCCATTGAGGCCCTTAGTTGCTATGCCAGCTGGGCCAGGAG[G>A]ACCGGGACTTCCTGGATCCCCTTTAGACCCAGGGAATCCTGGAATGCCTGGTGGCCCAAT-3'
Protein context (NP_000484.2, residues 464-484): GSKGDPGSPG[Pro474Ser]PGPAGIATKG